The following is an entry in ClinVar:

NM_006231.4(POLE):c.2319+3G>A

Gene: POLE (DNA polymerase epsilon, catalytic subunit; minus strand). Cytogenetic location: 12q24.33.
Variant type: single nucleotide variant.
Coding change: c.2319+3G>A on transcript NM_006231.4 (MANE Select); 3 bases into the intron after coding-DNA position 2319, G replaced by A.
Molecular consequence: intron variant.
Genome position (GRCh38, 1-based): chr12:132,667,500, C>T on the plus strand (G>A on the coding strand, the complement: POLE is on the minus strand). VCF-style: chr12-132667500-C-T. GRCh37 (hg19) VCF-style: chr12-133244086-C-T.
Identifiers: ClinVar variation 3935670 (VCV003935670.1).

ClinVar aggregate classification (germline): Uncertain significance (1 of 4 stars; one submission).

Conditions:
Hereditary cancer-predisposing syndrome. Also called: Tumor predisposition; Hereditary neoplastic syndrome; Hereditary Cancer Syndrome; Neoplastic Syndromes, Hereditary. Identifiers: Orphanet 140162, MedGen C0027672, MeSH D009386, MONDO:0015356.

Submission:

Ambry Genetics
Classification: Uncertain significance for Hereditary cancer-predisposing syndrome. Last evaluated: 2025-04-03. Review status: criteria provided, single submitter. Criteria: Ambry Variant Classification Scheme 2023. Collection method: clinical testing. Allele origin: germline.
Comment: The c.2319+3G>A intronic variant results from a G to A substitution 3 nucleotides after coding exon 20 in the POLE gene. This nucleotide position is not well conserved in available vertebrate species. In silico splice site analysis predicts that this alteration will not have any significant effect on splicing. Based on the available evidence, the clinical significance of this variant remains unclear.